The following is an entry in ClinVar:

NM_005138.3(SCO2):c.683T>C (p.Ile228Thr)

Genes: NCAPH2 (non-SMC condensin II complex subunit H2; plus strand), SCO2 (synthesis of cytochrome C oxidase 2; minus strand). Cytogenetic location: 22q13.33.
Variant type: single nucleotide variant.
Coding change: c.683T>C on transcript NM_005138.3 (MANE Select); coding-DNA position 683, T replaced by C.
Protein change: p.Ile228Thr; replaces isoleucine 228 with threonine.
Molecular consequence: missense variant. On other transcripts: 3 prime UTR variant (2).
Genome position (GRCh38, 1-based): chr22:50,523,729, A>G on the plus strand (T>C on the coding strand, the complement: SCO2 is on the minus strand). VCF-style: chr22-50523729-A-G. GRCh37 (hg19) VCF-style: chr22-50962158-A-G.
Other names: c.*354A>G (NM_001185011.2, NM_152299.4); c.683T>C, p.Ile228Thr (NM_001169109.2, NM_001169110.1, NM_001169111.2); short protein forms I228T.
Identifiers: ClinVar variation 1999664 (VCV001999664.2), dbSNP rs772544740, ClinGen allele CA10321145.

ClinVar aggregate classification (germline): Uncertain significance (1 of 4 stars; one submission).

Allele frequency attached by ClinVar (database versions not stated): gnomAD exomes below 0.00001; ExAC 0.00001.
gnomAD v4.1: 1 of 1,614,196 alleles (0.000062%); highest among the groups gnomAD compares: South Asian, 0.0011%; no homozygotes.

Submission:

Labcorp Genetics (formerly Invitae), Labcorp
Classification: Uncertain significance. Last evaluated: 2022-05-27. Review status: criteria provided, single submitter. Criteria: Invitae Variant Classification Sherloc (09022015). Collection method: clinical testing. Allele origin: germline.
Comment: In summary, the available evidence is currently insufficient to determine the role of this variant in disease. Therefore, it has been classified as a Variant of Uncertain Significance. Algorithms developed to predict the effect of missense changes on protein structure and function are either unavailable or do not agree on the potential impact of this missense change (SIFT: "Deleterious"; PolyPhen-2: "Probably Damaging"; Align-GVGD: "Class C0"). This variant has not been reported in the literature in individuals affected with SCO2-related conditions. This variant is present in population databases (rs772544740, gnomAD 0.003%). This sequence change replaces isoleucine, which is neutral and non-polar, with threonine, which is neutral and polar, at codon 228 of the SCO2 protein (p.Ile228Thr).